The following is an entry in ClinVar:

ClinVar aggregate classification (germline): Uncertain significance (1 of 4 stars; one submission).

Conditions:
Arrhythmogenic cardiomyopathy with wooly hair and keratoderma. Also called: PALMOPLANTAR KERATODERMA WITH LEFT VENTRICULAR CARDIOMYOPATHY AND WOOLLY HAIR; Carvajal syndrome; Arrhythmogenic cardiomyopathy with woolly hair and keratoderma; Dilated cardiomyopathy with woolly hair and keratoderma. Identifiers: Orphanet 65282, MedGen C1854063, MONDO:0011581, OMIM 605676.
Arrhythmogenic right ventricular dysplasia 8 (ARVD8). Also called: Arrhythmogenic Right Ventricular Dysplasia/Cardiomyopathy 8; ARRHYTHMOGENIC RIGHT VENTRICULAR DYSPLASIA, FAMILIAL, 8; ARRHYTHMOGENIC RIGHT VENTRICULAR CARDIOMYOPATHY 8. Identifiers: MedGen C1843896, MONDO:0011831, OMIM 607450.

Submission:

Labcorp Genetics (formerly Invitae), Labcorp
Classification: Uncertain significance for Arrhythmogenic cardiomyopathy with wooly hair and keratoderma; Arrhythmogenic right ventricular dysplasia 8. Last evaluated: 2024-10-22. Review status: criteria provided, single submitter. Criteria: Invitae Variant Classification Sherloc (09022015). Collection method: clinical testing. Allele origin: germline.
Comment: This sequence change replaces leucine, which is neutral and non-polar, with valine, which is neutral and non-polar, at codon 2199 of the DSP protein (p.Leu2199Val). This variant is not present in population databases (gnomAD no frequency). This variant has not been reported in the literature in individuals affected with DSP-related conditions. An algorithm developed to predict the effect of missense changes on protein structure and function (PolyPhen-2) suggests that this variant is likely to be disruptive. In summary, the available evidence is currently insufficient to determine the role of this variant in disease. Therefore, it has been classified as a Variant of Uncertain Significance.

NM_004415.4(DSP):c.6595C>G (p.Leu2199Val)

Gene: DSP (desmoplakin; plus strand). Cytogenetic location: 6p24.3.
Variant type: single nucleotide variant.
Coding change: c.6595C>G on transcript NM_004415.4 (MANE Select); coding-DNA position 6595, C replaced by G.
Protein change: p.Leu2199Val; replaces leucine 2199 with valine.
Molecular consequence: missense variant.
Genome position (GRCh38, 1-based): chr6:7,583,857, C>G. VCF-style: chr6-7583857-C-G. GRCh37 (hg19) VCF-style: chr6-7584090-C-G.
Other names: c.4798C>G, p.Leu1600Val (NM_001008844.3); c.5266C>G, p.Leu1756Val (NM_001319034.2); short protein forms L1600V, L1756V, L2199V.
Identifiers: ClinVar variation 2953579 (VCV002953579.3), dbSNP rs549451471, ClinGen allele CA362691128.